The following is an entry in ClinVar:

ClinVar aggregate classification (germline): Likely benign (1 of 4 stars; one submission).

Conditions:
REN-related disorder. Also called: REN-related condition.

gnomAD v4.1: 12 of 1,607,540 alleles (0.00075%); highest among the groups gnomAD compares: South Asian, 0.0022%; no homozygotes.

Submission:

PreventionGenetics, part of Exact Sciences
Classification: Likely benign for REN-related condition. Last evaluated: 2025-01-04. Review status: criteria provided, single submitter. Criteria: ACMG Guidelines, 2015. Collection method: clinical testing. Allele origin: germline.
Comment: This variant is classified as likely benign based on ACMG/AMP sequence variant interpretation guidelines (Richards et al. 2015 PMID: 25741868, with internal and published modifications).

NM_000537.4(REN):c.961-8C>T

Gene: REN (renin; minus strand). Cytogenetic location: 1q32.1.
Variant type: single nucleotide variant.
Coding change: c.961-8C>T on transcript NM_000537.4 (MANE Select); 8 bases into the intron before coding-DNA position 961, C replaced by T.
Molecular consequence: intron variant.
Genome position (GRCh38, 1-based): chr1:204,155,926, G>A on the plus strand (C>T on the coding strand, the complement: REN is on the minus strand). VCF-style: chr1-204155926-G-A. GRCh37 (hg19) VCF-style: chr1-204125054-G-A.
Identifiers: ClinVar variation 5000541 (VCV005000541.1).